The following is an entry in ClinVar:

NC_000016.10:g.67660393A>G

Genes: ACD (ACD shelterin complex subunit and telomerase recruitment factor; minus strand), LOC130059224 (ATAC-STARR-seq lymphoblastoid silent region 7617; plus strand). Cytogenetic location: 16q22.1.
Variant type: single nucleotide variant.
Genome position: GRCh38 VCF-style: chr16-67660393-A-G. GRCh37 (hg19) VCF-style: chr16-67694296-A-G.
Other names: short protein forms L29P.
Identifiers: ClinVar variation 1764368 (VCV001764368.4), dbSNP rs755492638, ClinGen allele CA8114922.

ClinVar aggregate classification (germline): Uncertain significance. Review status: criteria provided, multiple submitters, no conflicts (2 of 4 stars). 2 submissions from 2 submitters: Uncertain significance (2). Last evaluated 2024-08-27.

Conditions:
Inborn genetic diseases. Identifiers: MedGen C0950123, MeSH D030342.
Dyskeratosis congenita, autosomal dominant 6 (DKCA6). Identifiers: Orphanet 3322, MedGen C4225284, MONDO:0014690, OMIM 616553.

Allele frequency attached by ClinVar (database versions not stated): ExAC 0.00001; TOPMed 0.00002.

Submissions (2):

Labcorp Genetics (formerly Invitae), Labcorp
Classification: Uncertain significance for Dyskeratosis congenita, autosomal dominant 6. Last evaluated: 2024-08-27. Review status: criteria provided, single submitter. Criteria: Invitae Variant Classification Sherloc (09022015). Collection method: clinical testing. Allele origin: germline.
Comment: This sequence change replaces leucine, which is neutral and non-polar, with proline, which is neutral and non-polar, at codon 29 of the ACD protein (p.Leu29Pro). This variant is present in population databases (rs755492638, gnomAD 0.0009%). This variant has not been reported in the literature in individuals affected with ACD-related conditions. ClinVar contains an entry for this variant (Variation ID: 1764368). An algorithm developed to predict the effect of missense changes on protein structure and function outputs the following: PolyPhen-2: "Benign". The proline amino acid residue is found in multiple mammalian species, which suggests that this missense change does not adversely affect protein function. In summary, the available evidence is currently insufficient to determine the role of this variant in disease. Therefore, it has been classified as a Variant of Uncertain Significance.

Ambry Genetics
Classification: Uncertain significance for Inborn genetic diseases. Last evaluated: 2023-12-02. Review status: criteria provided, single submitter. Criteria: Ambry Variant Classification Scheme 2023. Collection method: clinical testing. Allele origin: germline.
Comment: The p.L29P variant (also known as c.86T>C), located in coding exon 1 of the ACD gene, results from a T to C substitution at nucleotide position 86. The leucine at codon 29 is replaced by proline, an amino acid with similar properties. This amino acid position is conserved. In addition, this alteration is predicted to be tolerated by in silico analysis. Since supporting evidence is limited at this time, the clinical significance of this alteration remains unclear.